The following is an entry in ClinVar:

NM_001164508.2(NEB):c.3715A>C (p.Ser1239Arg)

Gene: NEB (nebulin; minus strand). Cytogenetic location: 2q23.3.
Variant type: single nucleotide variant.
Coding change: c.3715A>C on transcript NM_001164508.2 (MANE Select); coding-DNA position 3715, A replaced by C.
Protein change: p.Ser1239Arg; replaces serine 1239 with arginine.
Molecular consequence: missense variant.
Genome position (GRCh38, 1-based): chr2:151,677,624, T>G on the plus strand (A>C on the coding strand, the complement: NEB is on the minus strand). VCF-style: chr2-151677624-T-G. GRCh37 (hg19) VCF-style: chr2-152534138-T-G.
Other names: c.3715A>C, p.Ser1239Arg (NM_001164507.2, NM_001271208.2, NM_004543.5); short protein forms S1239R.
Identifiers: ClinVar variation 1039590 (VCV001039590.8), dbSNP rs759109957, ClinGen allele CA348818462.

ClinVar aggregate classification (germline): Uncertain significance (1 of 4 stars; one submission).

Conditions:
Nemaline myopathy 2 (NEM2). Also called: Nemaline myopathy 2, autosomal recessive. Identifiers: MedGen C1850569, MONDO:0009725, OMIM 256030.

Submission:

Labcorp Genetics (formerly Invitae), Labcorp
Classification: Uncertain significance for Nemaline myopathy 2. Last evaluated: 2020-08-14. Review status: criteria provided, single submitter. Criteria: Invitae Variant Classification Sherloc (09022015). Collection method: clinical testing. Allele origin: germline.
Comment: In summary, the available evidence is currently insufficient to determine the role of this variant in disease. Therefore, it has been classified as a Variant of Uncertain Significance. Algorithms developed to predict the effect of missense changes on protein structure and function are either unavailable or do not agree on the potential impact of this missense change (SIFT: "Deleterious"; PolyPhen-2: "Not Available"; Align-GVGD: "Class C0"). This variant has not been reported in the literature in individuals with NEB-related conditions. This variant is not present in population databases (ExAC no frequency). This sequence change replaces serine with arginine at codon 1239 of the NEB protein (p.Ser1239Arg). The serine residue is moderately conserved and there is a moderate physicochemical difference between serine and arginine.